The following is an entry in ClinVar:

ClinVar aggregate classification (germline): Uncertain significance (1 of 4 stars; one submission).

Allele frequency attached by ClinVar (database versions not stated): gnomAD exomes below 0.00001.
gnomAD v4.1: 2 of 1,613,934 alleles (0.00012%); highest among the groups gnomAD compares: South Asian, 0.0011%; no homozygotes.

Submission:

Labcorp Genetics (formerly Invitae), Labcorp
Classification: Uncertain significance. Last evaluated: 2023-04-07. Review status: criteria provided, single submitter. Criteria: Invitae Variant Classification Sherloc (09022015). Collection method: clinical testing. Allele origin: germline.
Comment: In summary, the available evidence is currently insufficient to determine the role of this variant in disease. Therefore, it has been classified as a Variant of Uncertain Significance. Algorithms developed to predict the effect of missense changes on protein structure and function output the following: SIFT: "Not Available"; PolyPhen-2: "Benign"; Align-GVGD: "Not Available". The asparagine amino acid residue is found in multiple mammalian species, which suggests that this missense change does not adversely affect protein function. This variant has not been reported in the literature in individuals affected with VCAN-related conditions. This variant is not present in population databases (gnomAD no frequency). This sequence change replaces serine, which is neutral and polar, with asparagine, which is neutral and polar, at codon 2678 of the VCAN protein (p.Ser2678Asn).

NM_004385.5(VCAN):c.8033G>A (p.Ser2678Asn)

Genes: VCAN (versican; plus strand), VCAN-AS1 (VCAN antisense RNA 1; minus strand). Cytogenetic location: 5q14.3.
Variant type: single nucleotide variant.
Coding change: c.8033G>A on transcript NM_004385.5 (MANE Select); coding-DNA position 8033, G replaced by A.
Protein change: p.Ser2678Asn; replaces serine 2678 with asparagine.
Molecular consequence: missense variant. On other transcripts: intron variant (2).
Genome position (GRCh38, 1-based): chr5:83,541,036, G>A. VCF-style: chr5-83541036-G-A. GRCh37 (hg19) VCF-style: chr5-82836855-G-A.
Other names: c.5072G>A, p.Ser1691Asn (NM_001164097.2); c.4004-4501G>A (NM_001164098.2); c.1043-4501G>A (NM_001126336.3); short protein forms S1691N, S2678N.
Identifiers: ClinVar variation 2856347 (VCV002856347.3), dbSNP rs2479121742, ClinGen allele CA360316051.